The following is an entry in ClinVar:

NM_001037333.3(CYFIP2):c.2039A>G (p.Lys680Arg)

Gene: CYFIP2 (cytoplasmic FMR1 interacting protein 2; plus strand). Cytogenetic location: 5q33.3.
Variant type: single nucleotide variant.
Coding change: c.2039A>G on transcript NM_001037333.3 (MANE Select); coding-DNA position 2039, A replaced by G.
Protein change: p.Lys680Arg; replaces lysine 680 with arginine.
Molecular consequence: missense variant.
Genome position (GRCh38, 1-based): chr5:157,326,227, A>G. VCF-style: chr5-157326227-A-G. GRCh37 (hg19) VCF-style: chr5-156753235-A-G.
Other names: c.1961A>G, p.Lys654Arg (NM_001291721.2); c.2114A>G, p.Lys705Arg (NM_001291722.2); c.2039A>G, p.Lys680Arg (NM_014376.4); short protein forms K654R, K705R, K680R.
Identifiers: ClinVar variation 4775592 (VCV004775592.1).
Genomic context (GRCh38, chr5:157,326,227, plus strand): 5'-TCAGGTATGTCCTCTACCCTCTGGATCTGTACAACGACAGCGCCTACTATGCTCTGACCA[A>G]GTTTAAAAAGCAGTTCCTGTACGATGAGATAGAAGCTGAGGCAAGTGATGTGCTTCTCTT-3'
Protein context (NP_001032410.1, residues 670-690): YNDSAYYALT[Lys680Arg]FKKQFLYDEI

ClinVar aggregate classification (germline): Uncertain significance (1 of 4 stars; one submission).

Submission:

Labcorp Genetics (formerly Invitae), Labcorp
Classification: Uncertain significance. Last evaluated: 2025-09-24. Review status: criteria provided, single submitter. Criteria: Invitae Variant Classification Sherloc (09022015). Collection method: clinical testing. Allele origin: germline.
Comment: This sequence change replaces lysine, which is basic and polar, with arginine, which is basic and polar, at codon 680 of the CYFIP2 protein (p.Lys680Arg). This variant is not present in population databases (gnomAD no frequency). This variant has not been reported in the literature in individuals affected with CYFIP2-related conditions. Experimental studies and prediction algorithms are not available or were not evaluated, and the functional significance of this variant is currently unknown. In summary, the available evidence is currently insufficient to determine the role of this variant in disease. Therefore, it has been classified as a Variant of Uncertain Significance.